The following is an entry in ClinVar:

ClinVar aggregate classification (germline): Uncertain significance (1 of 4 stars; one submission).

Allele frequency attached by ClinVar (database versions not stated): gnomAD 0.00001; TOPMed 0.00002.
gnomAD v4.1: 6 of 1,614,010 alleles (0.00037%); highest among the groups gnomAD compares: African/African-American, 0.0013%; no homozygotes.

Submission:

Labcorp Genetics (formerly Invitae), Labcorp
Classification: Uncertain significance. Last evaluated: 2025-11-05. Review status: criteria provided, single submitter. Criteria: Invitae Variant Classification Sherloc (09022015). Collection method: clinical testing. Allele origin: germline.
Comment: This sequence change replaces glutamic acid, which is acidic and polar, with lysine, which is basic and polar, at codon 329 of the EMC1 protein (p.Glu329Lys). This variant is present in population databases (no rsID available, gnomAD 0.0009%). This variant has not been reported in the literature in individuals affected with EMC1-related conditions. ClinVar contains an entry for this variant (Variation ID: 844546). Invitae Evidence Modeling of protein sequence and biophysical properties (such as structural, functional, and spatial information, amino acid conservation, physicochemical variation, residue mobility, and thermodynamic stability) indicates that this missense variant is not expected to disrupt EMC1 protein function with a negative predictive value of 80%. In summary, the available evidence is currently insufficient to determine the role of this variant in disease. Therefore, it has been classified as a Variant of Uncertain Significance.

NM_015047.3(EMC1):c.985G>A (p.Glu329Lys)

Genes: EMC1 (ER membrane protein complex subunit 1; minus strand), EMC1-AS1 (EMC1 antisense RNA 1; plus strand). Cytogenetic location: 1p36.13.
Variant type: single nucleotide variant.
Coding change: c.985G>A on transcript NM_015047.3 (MANE Select); coding-DNA position 985, G replaced by A.
Protein change: p.Glu329Lys; replaces glutamic acid 329 with lysine.
Molecular consequence: missense variant.
Genome position (GRCh38, 1-based): chr1:19,239,272, C>T on the plus strand (G>A on the coding strand, the complement: EMC1 is on the minus strand). VCF-style: chr1-19239272-C-T. GRCh37 (hg19) VCF-style: chr1-19565766-C-T.
Other names: c.985G>A, p.Glu329Lys (NM_001271427.2, NM_001271428.2, NM_001375820.1 and 1 more transcripts); c.919G>A, p.Glu307Lys (NM_001271429.2); short protein forms E329K, E307K.
Identifiers: ClinVar variation 844546 (VCV000844546.7), dbSNP rs756891752, ClinGen allele CA18821728.